The following is an entry in ClinVar:

NM_001379659.1(ZNF142):c.3776G>A (p.Arg1259Gln)

Gene: ZNF142 (zinc finger protein 142; minus strand). Cytogenetic location: 2q35.
Variant type: single nucleotide variant.
Coding change: c.3776G>A on transcript NM_001379659.1 (MANE Select); coding-DNA position 3776, G replaced by A.
Protein change: p.Arg1259Gln; replaces arginine 1259 with glutamine.
Molecular consequence: missense variant.
Genome position (GRCh38, 1-based): chr2:218,643,340, C>T on the plus strand (G>A on the coding strand, the complement: ZNF142 is on the minus strand). VCF-style: chr2-218643340-C-T. GRCh37 (hg19) VCF-style: chr2-219508063-C-T.
Other names: c.3176G>A, p.Arg1059Gln (NM_001105537.5, NM_001366291.3, NM_001379662.1); c.2687G>A, p.Arg896Gln (NM_001366287.3, NM_001366288.3, NM_001366289.3); c.3776G>A, p.Arg1259Gln (NM_001366290.3, NM_001379660.1, NM_001379661.1); short protein forms R1059Q, R1259Q, R896Q.
Identifiers: ClinVar variation 3363936 (VCV003363936.2).

ClinVar aggregate classification (germline): Uncertain significance (1 of 4 stars; one submission).

gnomAD v4.1: 112 of 1,614,026 alleles (0.0069%); highest among the groups gnomAD compares: Admixed American, 0.045%; no homozygotes.

Submission:

GeneDx
Classification: Uncertain significance. Last evaluated: 2025-03-13. Review status: criteria provided, single submitter. Criteria: GeneDx Variant Classification Process June 2021. Collection method: clinical testing. Allele origin: germline.
Comment: In silico analysis supports that this missense variant does not alter protein structure/function; Has not been previously published as pathogenic or benign to our knowledge